The following is an entry in ClinVar:

ClinVar aggregate classification (germline): Uncertain significance. Review status: criteria provided, multiple submitters, no conflicts (2 of 4 stars). 4 submissions from 4 submitters: Uncertain significance (4). Last evaluated 2024-05-19.

Conditions:
Autosomal dominant Alport syndrome (ATS3A). Also called: Alport syndrome dominant type; Renal failure and sensorineural hearing loss; ALPORT SYNDROME 3A, AUTOSOMAL DOMINANT. Identifiers: Orphanet 63, Orphanet 88918, MedGen C5882663, MONDO:0007086, OMIM 104200.
Hematuria, benign familial, 2 (BFH2). Identifiers: MedGen C5830421, MONDO:0958186, OMIM 620320.
Alport syndrome 3b, autosomal recessive. Identifiers: MedGen C5882699, MONDO:0957811, OMIM 620536.

Submissions (4):

Fulgent Genetics
Classification: Uncertain significance for Autosomal dominant Alport syndrome; Hematuria, benign familial, 2; Alport syndrome 3b, autosomal recessive. Last evaluated: 2024-05-19. Review status: criteria provided, single submitter. Criteria: ACMG Guidelines, 2015. Collection method: clinical testing. Allele origin: germline.

Labcorp Genetics (formerly Invitae), Labcorp
Classification: Uncertain significance. Last evaluated: 2022-01-03. Review status: criteria provided, single submitter. Criteria: Invitae Variant Classification Sherloc (09022015). Collection method: clinical testing. Allele origin: germline.
Comment: This variant has been observed in individual(s) with clinical features of Alport syndrome (Invitae). In at least one individual the data is consistent with being in trans (on the opposite chromosome) from a pathogenic variant. ClinVar contains an entry for this variant (Variation ID: 804575). Variants that disrupt the consensus splice site are a relatively common cause of aberrant splicing (PMID: 17576681, 9536098). Algorithms developed to predict the effect of sequence changes on RNA splicing suggest that this variant may disrupt the consensus splice site. In summary, the available evidence is currently insufficient to determine the role of this variant in disease. Therefore, it has been classified as a Variant of Uncertain Significance. This sequence change affects codon 741 of the COL4A3 mRNA. It is a 'silent' change, meaning that it does not change the encoded amino acid sequence of the COL4A3 protein. This variant also falls at the last nucleotide of exon 29, which is part of the consensus splice site for this exon. This variant is not present in population databases (gnomAD no frequency).

GeneDx
Classification: Uncertain significance. Last evaluated: 2019-12-24. Review status: criteria provided, single submitter. Criteria: GeneDx Variant Classification Process June 2021. Collection method: clinical testing. Allele origin: germline. Affected: yes.
Comment: Not observedin large population cohorts (Lek et al., 2016); In silico analysis, which includes splice predictors and evolutionary conservation, supports a deleterious effect; Has not been previously published as pathogenic or benign to our knowledge

Athena Diagnostics
Classification: Uncertain significance. Last evaluated: 2019-03-21. Review status: criteria provided, single submitter. Criteria: Athena Diagnostics Criteria. Collection method: clinical testing. Allele origin: germline.

Literature cited by the submitters: PubMed 17576681 (cited by Labcorp Genetics (formerly Invitae), Labcorp); PubMed 9536098 (cited by Labcorp Genetics (formerly Invitae), Labcorp).

NM_000091.5(COL4A3):c.2223G>A (p.Lys741=)

Genes: COL4A3 (collagen type IV alpha 3 chain; plus strand), MFF-DT (MFF divergent transcript; minus strand). Cytogenetic location: 2q36.3.
Variant type: single nucleotide variant.
Coding change: c.2223G>A on transcript NM_000091.5 (MANE Select); coding-DNA position 2223, G replaced by A.
Protein change: p.Lys741=; no amino-acid change (lysine 741 retained).
Molecular consequence: synonymous variant.
Genome position (GRCh38, 1-based): chr2:227,279,890, G>A. VCF-style: chr2-227279890-G-A. GRCh37 (hg19) VCF-style: chr2-228144606-G-A.
Identifiers: ClinVar variation 804575 (VCV000804575.9), dbSNP rs1574774667, ClinGen allele CA431501697.
Genomic context (GRCh38, chr2:227,279,890, plus strand): 5'-TTGTCCTGGAAAAATGGGAGAGCCTGGGTTACCTGGAAAGCCAGGCCTCCCAGGAGCCAA[G>A]GTATGCAAAAATTCAAGCTATCACAGAAGAGAGGGTGGGTGACCATTAACTGGCCAGTTT-3'
Protein context (NP_000082.2, residues 731-751): LPGKPGLPGA[Lys741=]GEPAVAMPGG